The following is an entry in ClinVar:

ClinVar aggregate classification (germline): Likely pathogenic (1 of 4 stars; one submission).

Submission:

GeneDx
Classification: Likely pathogenic. Last evaluated: 2016-11-08. Review status: criteria provided, single submitter. Criteria: GeneDx Variant Classification (06012015). Collection method: clinical testing. Allele origin: germline. Affected: yes.
Comment: The N472D variant has been published previously in association with Hyper-IgE syndrome (Chandesris et al., 2012; Freeman et al., 2013). The variant was not observed in approximately 6,500 individuals of European and African American ancestry in the NHLBI Exome Sequencing Project, indicating it is not a common benign variant in these populations. N472D is a semi-conservative amino acid substitution, which may impact secondary protein structure as these residues differ in some properties. This substitution occurs at a position that is conserved across species; however, in silico analysis is inconsistent in its predictions as to whether or not the variant is damaging to the protein structure/function. Studies have shown that patients who harbor the N472D variant show impaired immune cell development; however, these studies do not rule out other potential contributing factors, as they analyzed the patient's cells rather than being performed in vitro (de Beaucoudrey et al., 2008; Mazerolles et al., 2013) . Therefore, this variant is likely pathogenic.

NM_139276.3(STAT3):c.1414A>G (p.Asn472Asp)

Gene: STAT3 (signal transducer and activator of transcription 3; minus strand). Cytogenetic location: 17q21.2.
Variant type: single nucleotide variant.
Coding change: c.1414A>G on transcript NM_139276.3 (MANE Select); coding-DNA position 1414, A replaced by G.
Protein change: p.Asn472Asp; replaces asparagine 472 with aspartic acid.
Molecular consequence: missense variant.
Genome position (GRCh38, 1-based): chr17:42,325,013, T>C on the plus strand (A>G on the coding strand, the complement: STAT3 is on the minus strand). VCF-style: chr17-42325013-T-C. GRCh37 (hg19) VCF-style: chr17-40477031-T-C.
Other names: c.1414A>G, p.Asn472Asp (NM_001369512.1, NM_001369513.1, NM_001369514.1 and 11 more transcripts); c.1330A>G, p.Asn444Asp (NM_001384984.1); c.1336A>G, p.Asn446Asp (NM_001384985.1); c.1429A>G, p.Asn477Asp (NM_001384986.1, NM_001384990.1); c.1318A>G, p.Asn440Asp (NM_001384989.1); c.1354A>G, p.Asn452Asp (NM_001384992.1); short protein forms N472D, N440D, N444D, N446D, N452D, N477D.
Identifiers: ClinVar variation 378672 (VCV000378672.2), dbSNP rs1057520377, ClinGen allele CA16607238.